The following is an entry in ClinVar:

ClinVar aggregate classification (germline): Uncertain significance (1 of 4 stars; one submission).

Conditions:
Majeed syndrome (MJDS). Also called: LPIN2-Related Majeed Syndrome; CHRONIC RECURRENT MULTIFOCAL OSTEOMYELITIS 1, WITH CONGENITAL DYSERYTHROPOIETIC ANEMIA, WITH OR WITHOUT NEUTROPHILIC DERMATOSIS. Identifiers: Orphanet 77297, MedGen C1864997, MONDO:0012316, OMIM 609628.

Allele frequency attached by ClinVar (database versions not stated): TOPMed below 0.00001.
gnomAD v4.1: 11 of 1,613,838 alleles (0.00068%); highest among the groups gnomAD compares: Non-Finnish European, 0.00093%; no homozygotes.

Submission:

Labcorp Genetics (formerly Invitae), Labcorp
Classification: Uncertain significance for Majeed syndrome. Last evaluated: 2022-03-20. Review status: criteria provided, single submitter. Criteria: Invitae Variant Classification Sherloc (09022015). Collection method: clinical testing. Allele origin: germline.
Comment: In summary, the available evidence is currently insufficient to determine the role of this variant in disease. Therefore, it has been classified as a Variant of Uncertain Significance. Algorithms developed to predict the effect of missense changes on protein structure and function are either unavailable or do not agree on the potential impact of this missense change (SIFT: "Deleterious"; PolyPhen-2: "Probably Damaging"; Align-GVGD: "Class C15"). This variant has not been reported in the literature in individuals affected with LPIN2-related conditions. This variant is present in population databases (no rsID available, gnomAD 0.0009%). This sequence change replaces valine, which is neutral and non-polar, with methionine, which is neutral and non-polar, at codon 857 of the LPIN2 protein (p.Val857Met).

NM_001375808.2(LPIN2):c.2569G>A (p.Val857Met)

Gene: LPIN2 (lipin 2; minus strand). Cytogenetic location: 18p11.31.
Variant type: single nucleotide variant.
Coding change: c.2569G>A on transcript NM_001375808.2 (MANE Select); coding-DNA position 2569, G replaced by A.
Protein change: p.Val857Met; replaces valine 857 with methionine.
Molecular consequence: missense variant.
Genome position (GRCh38, 1-based): chr18:2,920,415, C>T on the plus strand (G>A on the coding strand, the complement: LPIN2 is on the minus strand). VCF-style: chr18-2920415-C-T. GRCh37 (hg19) VCF-style: chr18-2920413-C-T.
Other names: c.2569G>A, p.Val857Met (NM_001375809.1, NM_014646.2); short protein forms V857M.
Identifiers: ClinVar variation 1931100 (VCV001931100.5), dbSNP rs1346809433, ClinGen allele CA401693946.